The following is an entry in ClinVar:

NM_012144.4(DNAI1):c.2048C>T (p.Ala683Val)

Gene: DNAI1 (dynein axonemal intermediate chain 1; plus strand). Cytogenetic location: 9p13.3.
Variant type: single nucleotide variant.
Coding change: c.2048C>T on transcript NM_012144.4 (MANE Select); coding-DNA position 2048, C replaced by T.
Protein change: p.Ala683Val; replaces alanine 683 with valine.
Molecular consequence: missense variant.
Genome position (GRCh38, 1-based): chr9:34,520,704, C>T. VCF-style: chr9-34520704-C-T. GRCh37 (hg19) VCF-style: chr9-34520702-C-T.
Other names: c.2060C>T, p.Ala687Val (NM_001281428.2); c.2048C>T (NM_012144.2); short protein forms A687V, A683V.
Identifiers: ClinVar variation 912555 (VCV000912555.7), dbSNP rs535760702, ClinGen allele CA5034616.

ClinVar aggregate classification (germline): Uncertain significance. Review status: criteria provided, multiple submitters, no conflicts (2 of 4 stars). 3 submissions from 3 submitters: Uncertain significance (3). Last evaluated 2025-08-05.

Conditions:
Kartagener syndrome (CILD1). Also called: CILIARY DYSKINESIA, PRIMARY, 1; SIEWERT SYNDROME; Dextrocardia bronchiectasis and sinusitis; CILIARY DYSKINESIA, PRIMARY, 1, WITH OR WITHOUT SITUS INVERSUS; IMMOTILE CILIA SYNDROME; POLYNESIAN BRONCHIECTASIS. Identifiers: Orphanet 244, MedGen C4551906, MONDO:0009484, OMIM 244400.
Primary ciliary dyskinesia. Also called: Ciliary dyskinesia. Identifiers: Orphanet 244, MedGen C0008780, MONDO:0016575, HP:0012265.

Allele frequency attached by ClinVar (database versions not stated): gnomAD 0.00001; TOPMed 0.00003; ExAC 0.00010.
gnomAD v4.1: 45 of 1,551,488 alleles (0.0029%); highest among the groups gnomAD compares: Middle Eastern, 0.017%; no homozygotes.

Submissions (3):

Ambry Genetics
Classification: Uncertain significance for Primary ciliary dyskinesia. Last evaluated: 2025-08-05. Review status: criteria provided, single submitter. Criteria: Ambry Variant Classification Scheme 2023. Collection method: clinical testing. Allele origin: germline.

Labcorp Genetics (formerly Invitae), Labcorp
Classification: Uncertain significance for Primary ciliary dyskinesia. Last evaluated: 2022-05-08. Review status: criteria provided, single submitter. Criteria: Invitae Variant Classification Sherloc (09022015). Collection method: clinical testing. Allele origin: germline.
Comment: This sequence change replaces alanine, which is neutral and non-polar, with valine, which is neutral and non-polar, at codon 683 of the DNAI1 protein (p.Ala683Val). The frequency data for this variant in the population databases is considered unreliable, as metrics indicate poor data quality at this position in the gnomAD database. This variant has not been reported in the literature in individuals affected with DNAI1-related conditions. ClinVar contains an entry for this variant (Variation ID: 912555). Algorithms developed to predict the effect of missense changes on protein structure and function (SIFT, PolyPhen-2, Align-GVGD) all suggest that this variant is likely to be tolerated. In summary, the available evidence is currently insufficient to determine the role of this variant in disease. Therefore, it has been classified as a Variant of Uncertain Significance.

Illumina Laboratory Services, Illumina
Classification: Uncertain significance for Kartagener syndrome. Last evaluated: 2018-01-13. Review status: criteria provided, single submitter. Criteria: ICSL Variant Classification Criteria 13 December 2019. Collection method: clinical testing. Allele origin: germline.